The following is an entry in ClinVar:

NM_004380.3(CREBBP):c.4632C>T (p.Phe1544=)

Gene: CREBBP (CREB binding lysine acetyltransferase; minus strand). Cytogenetic location: 16p13.3.
Variant type: single nucleotide variant.
Coding change: c.4632C>T on transcript NM_004380.3 (MANE Select); coding-DNA position 4632, C replaced by T.
Protein change: p.Phe1544=; no amino-acid change (phenylalanine 1544 retained).
Molecular consequence: synonymous variant.
Genome position (GRCh38, 1-based): chr16:3,736,132, G>A on the plus strand (C>T on the coding strand, the complement: CREBBP is on the minus strand). VCF-style: chr16-3736132-G-A. GRCh37 (hg19) VCF-style: chr16-3786133-G-A.
Other names: c.4518C>T, p.Phe1506= (NM_001079846.1).
Identifiers: ClinVar variation 3355584 (VCV003355584.1).

ClinVar aggregate classification (germline): Likely benign (0 of 4 stars; one submission).

Conditions:
CREBBP-related disorder. Also called: CREBBP-related condition; CREBBP-related disorders.

gnomAD v4.1: 1 of 1,614,180 alleles (0.000062%); highest among the groups gnomAD compares: Non-Finnish European, 0.000085%; no homozygotes.

Submission:

PreventionGenetics, part of Exact Sciences
Classification: Likely benign for CREBBP-related condition. Last evaluated: 2021-12-15. Review status: no assertion criteria provided. Collection method: clinical testing. Allele origin: germline.
Comment: This variant is classified as likely benign based on ACMG/AMP sequence variant interpretation guidelines (Richards et al. 2015 PMID: 25741868, with internal and published modifications).